The following is an entry in ClinVar:

ClinVar aggregate classification (germline): Likely benign. Review status: criteria provided, multiple submitters, no conflicts (2 of 4 stars). 5 submissions from 5 submitters: Likely benign (4). 1 of the submissions does not count toward it. Last evaluated 2025-12-29.

Conditions:
IKZF1-related disorder. Also called: IKZF1-related condition.

Allele frequency attached by ClinVar (database versions not stated): gnomAD exomes 0.00006 and 0.00014; gnomAD 0.00010 and 0.00011; ExAC 0.00011; TOPMed 0.00015.

Submissions (5):

Labcorp Genetics (formerly Invitae), Labcorp
Classification: Likely benign. Last evaluated: 2025-12-29. Review status: criteria provided, single submitter. Criteria: Invitae Variant Classification Sherloc (09022015). Collection method: clinical testing. Allele origin: germline.

Blueprint Genetics
Classification: Likely benign. Last evaluated: 2024-11-13. Review status: criteria provided, single submitter. Criteria: ACMG Guidelines, 2015. Collection method: clinical testing. Allele origin: germline.

Genetic Services Laboratory, University of Chicago
Classification: Likely benign. Last evaluated: 2021-11-30. Review status: criteria provided, single submitter. Criteria: ACMG Guidelines, 2015. Collection method: clinical testing. Allele origin: germline. Affected: no.

CeGaT Center for Human Genetics Tuebingen
Classification: Likely benign. Last evaluated: 2020-11-01. Review status: criteria provided, single submitter. Criteria: CeGaT Center For Human Genetics Tuebingen Variant Classification Criteria Version 2. Collection method: clinical testing. Allele origin: germline. Affected: yes. Observed: 1 variant allele.

PreventionGenetics, part of Exact Sciences
Classification: Likely benign for IKZF1-related condition. Last evaluated: 2022-03-21. Review status: no assertion criteria provided. Collection method: clinical testing. Allele origin: germline. Not counted in ClinVar's aggregate classification.
Comment: This variant is classified as likely benign based on ACMG/AMP sequence variant interpretation guidelines (Richards et al. 2015 PMID: 25741868, with internal and published modifications).

NM_006060.6(IKZF1):c.1402C>A (p.Arg468=)

Gene: IKZF1 (IKAROS family zinc finger 1; plus strand). Cytogenetic location: 7p12.2.
Variant type: single nucleotide variant.
Coding change: c.1402C>A on transcript NM_006060.6 (MANE Select); coding-DNA position 1402, C replaced by A.
Protein change: p.Arg468=; no amino-acid change (arginine 468 retained).
Molecular consequence: synonymous variant.
Genome position (GRCh38, 1-based): chr7:50,400,469, C>A. VCF-style: chr7-50400469-C-A. GRCh37 (hg19) VCF-style: chr7-50468167-C-A.
Other names: c.1276C>A, p.Arg426= (NM_001220765.3, NM_001291837.2); c.1111C>A, p.Arg371= (NM_001220767.2); c.1141C>A, p.Arg381= (NM_001220768.2, NM_001291838.2); c.985C>A, p.Arg329= (NM_001220770.2); c.973C>A, p.Arg325= (NM_001220771.2, NM_001291841.1); c.1015C>A, p.Arg339= (NM_001291839.2); c.712C>A, p.Arg238= (NM_001291840.1); c.943C>A, p.Arg315= (NM_001291842.1); and 3 more.
Identifiers: ClinVar variation 1013001 (VCV001013001.47), dbSNP rs765741739, ClinGen allele CA4261515.